The following is an entry in ClinVar:

ClinVar aggregate classification (germline): Uncertain significance (1 of 4 stars; one submission).

Conditions:
Early Myoclonic Encephalopathy. Identifiers: MedGen C0270855.

Allele frequency attached by ClinVar (database versions not stated): TOPMed 0.00002; gnomAD 0.00002; gnomAD exomes 0.00003 and 0.00001; ExAC 0.00005; 1000 Genomes Project 30x 0.00016; 1000 Genomes Project 0.00020.
gnomAD v4.1: 23 of 1,614,146 alleles (0.0014%); highest among the groups gnomAD compares: South Asian, 0.018%; no homozygotes.

Submission:

Labcorp Genetics (formerly Invitae), Labcorp
Classification: Uncertain significance for Early Myoclonic Encephalopathy. Last evaluated: 2019-11-13. Review status: criteria provided, single submitter. Criteria: Invitae Variant Classification Sherloc (09022015). Collection method: clinical testing. Allele origin: germline.
Comment: Algorithms developed to predict the effect of missense changes on protein structure and function are either unavailable or do not agree on the potential impact of this missense change (SIFT: "Deleterious"; PolyPhen-2: "Probably Damaging"; Align-GVGD: "Class C0"). This variant has not been reported in the literature in individuals with JMJD1C-related conditions. This variant is present in population databases (rs549653106, ExAC 0.03%). This sequence change replaces arginine with glutamine at codon 2067 of the JMJD1C protein (p.Arg2067Gln). The arginine residue is highly conserved and there is a small physicochemical difference between arginine and glutamine. In summary, the available evidence is currently insufficient to determine the role of this variant in disease. Therefore, it has been classified as a Variant of Uncertain Significance. Algorithms developed to predict the effect of sequence changes on RNA splicing suggest that this variant may create or strengthen a splice site, but this prediction has not been confirmed by published transcriptional studies.

NM_032776.3(JMJD1C):c.6200G>A (p.Arg2067Gln)

Gene: JMJD1C (jumonji domain containing 1C; minus strand). Cytogenetic location: 10q21.3.
Variant type: single nucleotide variant.
Coding change: c.6200G>A on transcript NM_032776.3 (MANE Select); coding-DNA position 6200, G replaced by A.
Protein change: p.Arg2067Gln; replaces arginine 2067 with glutamine.
Molecular consequence: missense variant. On other transcripts: non-coding transcript variant (1).
Genome position (GRCh38, 1-based): chr10:63,190,985, C>T on the plus strand (G>A on the coding strand, the complement: JMJD1C is on the minus strand). VCF-style: chr10-63190985-C-T. GRCh37 (hg19) VCF-style: chr10-64950745-C-T.
Other names: c.5654G>A, p.Arg1885Gln (NM_001282948.2, NM_001318154.2); c.5336G>A, p.Arg1779Gln (NM_001318153.2); c.6086G>A, p.Arg2029Gln (NM_001322252.2); c.5543G>A, p.Arg1848Gln (NM_001322254.2, NM_001322258.2); short protein forms R1779Q, R1848Q, R1885Q, R2029Q, R2067Q.
Identifiers: ClinVar variation 951868 (VCV000951868.10), dbSNP rs549653106, ClinGen allele CA5517920.